The following is an entry in ClinVar:

ClinVar aggregate classification (germline): Pathogenic. Review status: criteria provided, multiple submitters, no conflicts (2 of 4 stars). 3 submissions from 3 submitters: Pathogenic (3). Last evaluated 2024-04-26.

Conditions:
Hereditary cancer-predisposing syndrome. Also called: Hereditary Cancer Syndrome; Tumor predisposition; Neoplastic Syndromes, Hereditary; Hereditary neoplastic syndrome. Identifiers: Orphanet 140162, MedGen C0027672, MeSH D009386, MONDO:0015356.

Submissions (3):

Ambry Genetics
Classification: Pathogenic for Hereditary cancer-predisposing syndrome. Last evaluated: 2024-04-26. Review status: criteria provided, single submitter. Criteria: Ambry Variant Classification Scheme 2023. Collection method: clinical testing. Allele origin: germline.
Comment: The p.Y409* pathogenic mutation (also known as c.1227C>G), located in coding exon 8 of the FLCN gene, results from a C to G substitution at nucleotide position 1227. This changes the amino acid from a tyrosine to a stop codon within coding exon 8. This variant has been observed in individuals with a personal and/or family history that is consistent with Birt-Hogg-Dub&eacute; syndrome (Liu K et al. Orphanet J Rare Dis, 2019 Oct;14:223; Ambry internal data). This variant is considered to be rare based on population cohorts in the Genome Aggregation Database (gnomAD). In addition to the clinical data presented in the literature, this alteration is expected to result in loss of function by premature protein truncation or nonsense-mediated mRNA decay. As such, this alteration is interpreted as a disease-causing mutation.

Quest Diagnostics Nichols Institute San Juan Capistrano
Classification: Pathogenic. Last evaluated: 2023-12-07. Review status: criteria provided, single submitter. Criteria: Quest Diagnostics criteria. Collection method: clinical testing. Allele origin: unknown.
Comment: The FLCN c.1227C>G (p.Tyr409*) variant causes the premature termination of FLCN protein synthesis. This variant has been reported in the published literature in in an individual with Birt-Hogg-Dube (BHD) syndrome (PMID: 31615547 (2019)). This variant has not been reported in large, multi-ethnic general populations (Genome Aggregation Database). Based on the available information, this variant is classified as pathogenic.

GeneDx
Classification: Pathogenic. Last evaluated: 2016-09-27. Review status: criteria provided, single submitter. Criteria: GeneDx Variant Classification (06012015). Collection method: clinical testing. Allele origin: germline. Affected: yes.
Comment: The Y409X nonsense variant in the FLCN gene has not been reported previously as a pathogenic variant, nor as a benign variant, to our knowledge. This variant is predicted to cause loss of normal protein function either through protein truncation or nonsense-mediated mRNA decay. Based on currently available evidence, we consider Y409X to be pathogenic, and its presence consistent with a diagnosis of Birt-Hogg-Dube syndrome

Literature cited by the submitters: PubMed 31615547 (cited by Ambry Genetics and Quest Diagnostics Nichols Institute San Juan Capistrano).

NM_144997.7(FLCN):c.1227C>G (p.Tyr409Ter)

Gene: FLCN (folliculin; minus strand). Cytogenetic location: 17p11.2.
Variant type: single nucleotide variant.
Coding change: c.1227C>G on transcript NM_144997.7 (MANE Select); coding-DNA position 1227, C replaced by G.
Protein change: p.Tyr409Ter; replaces tyrosine 409 with a stop codon.
Molecular consequence: nonsense.
Genome position (GRCh38, 1-based): chr17:17,216,453, G>C on the plus strand (C>G on the coding strand, the complement: FLCN is on the minus strand). VCF-style: chr17-17216453-G-C. GRCh37 (hg19) VCF-style: chr17-17119767-G-C.
Other names: c.1227C>G (LRG_325t1, NM_144997.6); c.1281C>G, p.Tyr427Ter (NM_001353229.2); c.1227C>G, p.Tyr409Ter (NM_001353230.2, NM_001353231.2); short protein forms Y409*, Y427*.
Identifiers: ClinVar variation 280909 (VCV000280909.4), dbSNP rs561236067, ClinGen allele CA10603582.